The following is an entry in ClinVar:

NM_001854.4(COL11A1):c.284T>C (p.Phe95Ser)

Gene: COL11A1 (collagen type XI alpha 1 chain; minus strand). Cytogenetic location: 1p21.1.
Variant type: single nucleotide variant.
Coding change: c.284T>C on transcript NM_001854.4 (MANE Select); coding-DNA position 284, T replaced by C.
Protein change: p.Phe95Ser; replaces phenylalanine 95 with serine.
Molecular consequence: missense variant. On other transcripts: non-coding transcript variant (1).
Genome position (GRCh38, 1-based): chr1:103,078,862, A>G on the plus strand (T>C on the coding strand, the complement: COL11A1 is on the minus strand). VCF-style: chr1-103078862-A-G. GRCh37 (hg19) VCF-style: chr1-103544418-A-G.
Other names: c.284T>C, p.Phe95Ser (NM_001190709.2, NM_080629.3, NM_080630.4); short protein forms F95S.
Identifiers: ClinVar variation 1375900 (VCV001375900.8), dbSNP rs2102303811, ClinGen allele CA341168074.

ClinVar aggregate classification (germline): Uncertain significance (1 of 4 stars; one submission).

Submission:

Labcorp Genetics (formerly Invitae), Labcorp
Classification: Uncertain significance. Last evaluated: 2021-04-12. Review status: criteria provided, single submitter. Criteria: Invitae Variant Classification Sherloc (09022015). Collection method: clinical testing. Allele origin: germline.
Comment: Advanced modeling of protein sequence and biophysical properties (such as structural, functional, and spatial information, amino acid conservation, physicochemical variation, residue mobility, and thermodynamic stability) performed at Invitae indicates that this missense variant is not expected to disrupt COL11A1 protein function. In summary, the available evidence is currently insufficient to determine the role of this variant in disease. Therefore, it has been classified as a Variant of Uncertain Significance. This variant has not been reported in the literature in individuals with COL11A1-related conditions. This variant is not present in population databases (ExAC no frequency). This sequence change replaces phenylalanine with serine at codon 95 of the COL11A1 protein (p.Phe95Ser). The phenylalanine residue is highly conserved and there is a large physicochemical difference between phenylalanine and serine.